The following is an entry in ClinVar:

ClinVar aggregate classification (germline): Uncertain significance (1 of 4 stars; one submission).

Allele frequency attached by ClinVar (database versions not stated): gnomAD exomes 0.00001; ExAC 0.00002; gnomAD 0.00002; TOPMed 0.00002.

Submission:

CeGaT Center for Human Genetics Tuebingen
Classification: Uncertain significance. Last evaluated: 2022-11-01. Review status: criteria provided, single submitter. Criteria: CeGaT Center For Human Genetics Tuebingen Variant Classification Criteria Version 2. Collection method: clinical testing. Allele origin: germline. Affected: yes. Observed: 1 variant allele.
Comment: TBXAS1: PM2, BP4

NM_001061.7(TBXAS1):c.907G>A (p.Val303Ile)

Gene: TBXAS1 (thromboxane A synthase 1; plus strand). Cytogenetic location: 7q34.
Variant type: single nucleotide variant.
Coding change: c.907G>A on transcript NM_001061.7 (MANE Select); coding-DNA position 907, G replaced by A.
Protein change: p.Val303Ile; replaces valine 303 with isoleucine.
Molecular consequence: missense variant.
Genome position (GRCh38, 1-based): chr7:139,962,006, G>A. VCF-style: chr7-139962006-G-A. GRCh37 (hg19) VCF-style: chr7-139661805-G-A.
Other names: c.907G>A, p.Val303Ile (NM_030984.6, NM_001130966.5); c.1045G>A, p.Val349Ile (NM_001166253.4); c.706G>A, p.Val236Ile (NM_001166254.4); c.850G>A, p.Val284Ile (NM_001314028.4); c.724G>A, p.Val242Ile (NM_001366537.3); short protein forms V236I, V242I, V284I, V303I, V304I, V349I, V350I.
Identifiers: ClinVar variation 2658017 (VCV002658017.24), dbSNP rs772851878, ClinGen allele CA4511847.